The following is an entry in ClinVar:

NM_000237.3(LPL):c.329TGG[1] (p.Val111del)

Gene: LPL (lipoprotein lipase; plus strand). Cytogenetic location: 8p21.3.
Variant type: Microsatellite.
Coding change: c.329TGG[1] on transcript NM_000237.3 (MANE Select); one copy of the 3-base unit TGG starting at c.329; the reference has two copies in a row; one copy, 3 bases deleted.
Protein change: p.Val111del; deletes valine 111.
Molecular consequence: inframe deletion.
Genome position (GRCh38, 1-based): chr8:19,951,851-19,951,853, TGG deleted; deleting any 3 consecutive bases within chr8:19,951,847-19,951,853 gives the same sequence; the position shown is the placement nearest the transcript's 3' end. VCF-style (leftmost placement, unchanged base first): chr8-19951846-TGTG-T. GRCh37 (hg19) VCF-style: chr8-19809357-TGTG-T.
Other names: c.332_334delTGG (NM_000237.2); short protein forms V111del.
Identifiers: ClinVar variation 1306386 (VCV001306386.4), dbSNP rs1419129012, ClinGen allele CA580502397.

ClinVar aggregate classification (germline): Uncertain significance. Review status: criteria provided, multiple submitters, no conflicts (2 of 4 stars). 3 submissions from 3 submitters: Uncertain significance (3). Last evaluated 2025-11-05.

Conditions:
Cardiovascular phenotype. Identifiers: MedGen CN230736.
LPL-related disorder. Also called: LPL-related condition.

Submissions (3):

PreventionGenetics, part of Exact Sciences
Classification: Uncertain significance for LPL-related condition. Last evaluated: 2025-11-05. Review status: criteria provided, single submitter. Criteria: ACMG Guidelines, 2015. Collection method: clinical testing. Allele origin: germline.
Comment: The LPL c.332_334delTGG variant is predicted to result in an in-frame deletion (p.Val111del). This variant has been reported in a study of individuals undergoing genetic testing for hypertriglyceridemia (Table S2, Deshotels et al. 2022. PubMed ID: 36325899). This variant is reported in 0.0065% of alleles in individuals of European (Non-Finnish) descent in gnomAD. At this time, the clinical significance of this variant is uncertain due to the absence of conclusive functional and genetic evidence.

Ambry Genetics
Classification: Uncertain significance for Cardiovascular phenotype. Last evaluated: 2024-08-30. Review status: criteria provided, single submitter. Criteria: Ambry Variant Classification Scheme 2023. Collection method: clinical testing. Allele origin: germline.
Comment: The c.332_334delTGG variant (also known as p.V111del) is located in coding exon 3 of the LPL gene. This variant results from an in-frame TGG deletion at nucleotide positions 332 to 334. This results in the in-frame deletion of a valine at codon 111. This amino acid position is highly conserved in available vertebrate species. In addition, this alteration is predicted to be deleterious by in silico analysis (Choi Y et al. PLoS ONE. 2012; 7(10):e46688). Based on the available evidence, the clinical significance of this variant remains unclear.

GeneDx
Classification: Uncertain significance. Last evaluated: 2020-04-20. Review status: criteria provided, single submitter. Criteria: GeneDx Variant Classification Process June 2021. Collection method: clinical testing. Allele origin: germline. Affected: yes.
Comment: Has not been previously published as pathogenic or benign to our knowledge; Not observed at a significant frequency in large population cohorts (Lek et al., 2016); In frame deletion of one amino acid that does not result in a change in reading frame or a premature stop codon; in silico analysis, which includes protein predictors and evolutionary conservation, supports a deleterious effect